The following is an entry in ClinVar:

NM_025144.4(ALPK1):c.2038C>G (p.Pro680Ala)

Gene: ALPK1 (alpha kinase 1; plus strand). Cytogenetic location: 4q25.
Variant type: single nucleotide variant.
Coding change: c.2038C>G on transcript NM_025144.4 (MANE Select); coding-DNA position 2038, C replaced by G.
Protein change: p.Pro680Ala; replaces proline 680 with alanine.
Molecular consequence: missense variant.
Genome position (GRCh38, 1-based): chr4:112,431,585, C>G. VCF-style: chr4-112431585-C-G. GRCh37 (hg19) VCF-style: chr4-113352741-C-G.
Other names: c.2038C>G, p.Pro680Ala (NM_001102406.2); c.1804C>G, p.Pro602Ala (NM_001253884.2); short protein forms P680A, P602A.
Identifiers: ClinVar variation 2974316 (VCV002974316.3), dbSNP rs1734556029, ClinGen allele CA357896669.

ClinVar aggregate classification (germline): Uncertain significance (1 of 4 stars; one submission).

Allele frequency attached by ClinVar (database versions not stated): gnomAD exomes below 0.00001; TOPMed below 0.00001.
gnomAD v4.1: 1 of 1,614,166 alleles (0.000062%); highest among the groups gnomAD compares: Non-Finnish European, 0.000085%; no homozygotes.

Submission:

Labcorp Genetics (formerly Invitae), Labcorp
Classification: Uncertain significance. Last evaluated: 2023-12-19. Review status: criteria provided, single submitter. Criteria: Invitae Variant Classification Sherloc (09022015). Collection method: clinical testing. Allele origin: germline.
Comment: This sequence change replaces proline, which is neutral and non-polar, with alanine, which is neutral and non-polar, at codon 680 of the ALPK1 protein (p.Pro680Ala). This variant is not present in population databases (gnomAD no frequency). This variant has not been reported in the literature in individuals affected with ALPK1-related conditions. Advanced modeling of protein sequence and biophysical properties (such as structural, functional, and spatial information, amino acid conservation, physicochemical variation, residue mobility, and thermodynamic stability) performed at Invitae indicates that this missense variant is not expected to disrupt ALPK1 protein function with a negative predictive value of 80%. In summary, the available evidence is currently insufficient to determine the role of this variant in disease. Therefore, it has been classified as a Variant of Uncertain Significance.